The following is an entry in ClinVar:

NM_003803.4(MYOM1):c.2683G>A (p.Glu895Lys)

Gene: MYOM1 (myomesin 1; minus strand). Cytogenetic location: 18p11.31.
Variant type: single nucleotide variant.
Coding change: c.2683G>A on transcript NM_003803.4 (MANE Select); coding-DNA position 2683, G replaced by A.
Protein change: p.Glu895Lys; replaces glutamic acid 895 with lysine.
Molecular consequence: missense variant. On other transcripts: intron variant (1).
Genome position (GRCh38, 1-based): chr18:3,129,343, C>T on the plus strand (G>A on the coding strand, the complement: MYOM1 is on the minus strand). VCF-style: chr18-3129343-C-T. GRCh37 (hg19) VCF-style: chr18-3129341-C-T.
Other names: c.2506+2032G>A (NM_019856.2); short protein forms E895K.
Identifiers: ClinVar variation 3298030 (VCV003298030.1).

ClinVar aggregate classification (germline): Uncertain significance (1 of 4 stars; one submission).

Submission:

Ambry Genetics
Classification: Uncertain significance. Last evaluated: 2024-04-28. Review status: criteria provided, single submitter. Criteria: Ambry Variant Classification Scheme 2023. Collection method: clinical testing. Allele origin: germline.
Comment: The p.E895K variant (also known as c.2683G>A), located in coding exon 17 of the MYOM1 gene, results from a G to A substitution at nucleotide position 2683. The glutamic acid at codon 895 is replaced by lysine, an amino acid with similar properties. This amino acid position is conserved. In addition, this alteration is predicted to be tolerated by in silico analysis. Based on the available evidence, the clinical significance of this variant remains unclear.